The following is an entry in ClinVar:

ClinVar aggregate classification (germline): Uncertain significance. Review status: criteria provided, multiple submitters, no conflicts (2 of 4 stars). 7 submissions from 7 submitters: Uncertain significance (7). Last evaluated 2024-01-04.

Conditions:
Emery-Dreifuss muscular dystrophy 4, autosomal dominant (EDMD4). Also called: EMERY-DREIFUSS MUSCULAR DYSTROPHY 4 WITH VARIABLE FEATURES. Identifiers: Orphanet 261, MedGen C2751807, MONDO:0013071, OMIM 612998.
Autosomal recessive ataxia, Beauce type. Also called: SYNE1-Related Autosomal Recessive Cerebellar Ataxia; Spinocerebellar ataxia, autosomal recessive 8; ATAXIA, RECESSIVE, OF BEAUCE; SYNE1 Deficiency. Identifiers: Orphanet 88644, MedGen C1853116, MONDO:0012549, OMIM 610743.

Allele frequency attached by ClinVar (database versions not stated): gnomAD 0.00007 and 0.00008; TOPMed 0.00009.
gnomAD v4.1: 120 of 1,611,902 alleles (0.0074%); highest among the groups gnomAD compares: Admixed American, 0.023%; no homozygotes.

Submissions (7):

Women's Health and Genetics/Laboratory Corporation of America, LabCorp
Classification: Uncertain significance. Last evaluated: 2024-01-04. Review status: criteria provided, single submitter. Criteria: LabCorp Variant Classification Summary - May 2015. Collection method: clinical testing. Allele origin: germline.
Comment: Variant summary: SYNE1 c.24422G>A (p.Arg8141His) results in a non-conservative amino acid change in the encoded protein sequence. Two of five in-silico tools predict a damaging effect of the variant on protein function. The variant allele was found at a frequency of 0.0001 in 245868 control chromosomes. c.24422G>A has been reported in the literature in at-least one individual affected with dilated cardiomyopathy requiring cardiac transplantation (example, Puckelwartz_2010). These data do not allow any conclusion about variant significance. At least one publication reports experimental evidence evaluating an impact on protein function, fibroblasts from the individual carrying this variant had increased expression of nesprin-1 and lamins A and C (Puckelwartz_2010). The following publication have been ascertained in the context of this evaluation (PMID: 21496632). ClinVar contains an entry for this variant (Variation ID: 499003, all VUS). Based on the evidence outlined above, the variant was classified as uncertain significance.

Labcorp Genetics (formerly Invitae), Labcorp
Classification: Uncertain significance for Emery-Dreifuss muscular dystrophy 4, autosomal dominant; Autosomal recessive ataxia, Beauce type. Last evaluated: 2022-10-17. Review status: criteria provided, single submitter. Criteria: Invitae Variant Classification Sherloc (09022015). Collection method: clinical testing. Allele origin: germline.
Comment: This sequence change replaces arginine, which is basic and polar, with histidine, which is basic and polar, at codon 8141 of the SYNE1 protein (p.Arg8141His). This variant is present in population databases (rs766462111, gnomAD 0.03%). This missense change has been observed in individual(s) with dilated cardiomyopathy (PMID: 19944109). This variant is also known as R374H. ClinVar contains an entry for this variant (Variation ID: 499003). Algorithms developed to predict the effect of missense changes on protein structure and function are either unavailable or do not agree on the potential impact of this missense change (SIFT: "Deleterious"; PolyPhen-2: "Possibly Damaging"; Align-GVGD: "Class C0"). In summary, the available evidence is currently insufficient to determine the role of this variant in disease. Therefore, it has been classified as a Variant of Uncertain Significance.

Athena Diagnostics
Classification: Uncertain significance. Last evaluated: 2022-10-11. Review status: criteria provided, single submitter. Criteria: Athena Diagnostics Criteria. Collection method: clinical testing. Allele origin: unknown.
Comment: Available data are insufficient to determine the clinical significance of the variant at this time. The frequency of this variant in the general population is uninformative in assessment of its pathogenicity. This variant is also reported in the literature as R374H. There was not enough information identified regarding segregation with disease in families to be useful in characterizing this variant. Computational tools disagree on the variant's effect on normal protein function.

Revvity Omics, Revvity
Classification: Uncertain significance. Last evaluated: 2021-10-06. Review status: criteria provided, single submitter. Criteria: ACMG Guidelines, 2015. Collection method: clinical testing. Allele origin: germline.

GeneDx
Classification: Uncertain significance. Last evaluated: 2021-04-19. Review status: criteria provided, single submitter. Criteria: GeneDx Variant Classification Process June 2021. Collection method: clinical testing. Allele origin: germline. Affected: yes.
Comment: In silico analysis supports that this missense variant has a deleterious effect on protein structure/function; This variant is associated with the following publications: (PMID: 19944109)

Eurofins Ntd Llc (ga)
Classification: Uncertain significance. Last evaluated: 2016-12-07. Review status: criteria provided, single submitter. Criteria: EGL Classification Definitions 2015. Collection method: clinical testing. Allele origin: germline. Observed: 2 variant alleles, 2 heterozygotes.

Breakthrough Genomics
Classification: Uncertain significance. Review status: criteria provided, single submitter. Criteria: ACMG Guidelines, 2015. Collection method: not provided. Allele origin: germline. Inheritance: Autosomal recessive inheritance. Affected: yes.

Literature cited by the submitters: PubMed 21496632 (cited by Women's Health and Genetics/Laboratory Corporation of America, LabCorp); PubMed 19944109 (cited by Labcorp Genetics (formerly Invitae), Labcorp and Athena Diagnostics); PubMed 27782104 (cited by Athena Diagnostics).

NM_182961.4(SYNE1):c.24635G>A (p.Arg8212His)

Gene: SYNE1 (spectrin repeat containing nuclear envelope protein 1; minus strand). Cytogenetic location: 6q25.2.
Variant type: single nucleotide variant.
Coding change: c.24635G>A on transcript NM_182961.4 (MANE Select); coding-DNA position 24635, G replaced by A.
Protein change: p.Arg8212His; replaces arginine 8212 with histidine.
Molecular consequence: missense variant.
Genome position (GRCh38, 1-based): chr6:152,149,484, C>T on the plus strand (G>A on the coding strand, the complement: SYNE1 is on the minus strand). VCF-style: chr6-152149484-C-T. GRCh37 (hg19) VCF-style: chr6-152470619-C-T.
Other names: c.1241G>A, p.Arg414His (NM_001347701.2); c.1100G>A, p.Arg367His (NM_001347702.2); c.24422G>A, p.Arg8141His (NM_033071.5); c.24635G>A (NM_182961.2); short protein forms R8141H, R8212H, R367H, R414H.
Identifiers: ClinVar variation 499003 (VCV000499003.14), dbSNP rs766462111, ClinGen allele CA4053130.